The following is an entry in ClinVar:

NM_001355436.2(SPTB):c.2996G>A (p.Gly999Glu)

Gene: SPTB (spectrin beta, erythrocytic; minus strand). Cytogenetic location: 14q23.3.
Variant type: single nucleotide variant.
Coding change: c.2996G>A on transcript NM_001355436.2 (MANE Select); coding-DNA position 2996, G replaced by A.
Protein change: p.Gly999Glu; replaces glycine 999 with glutamic acid.
Molecular consequence: missense variant.
Genome position (GRCh38, 1-based): chr14:64,786,969, C>T on the plus strand (G>A on the coding strand, the complement: SPTB is on the minus strand). VCF-style: chr14-64786969-C-T. GRCh37 (hg19) VCF-style: chr14-65253687-C-T.
Other names: c.2996G>A, p.Gly999Glu (NM_001024858.4, NM_001355437.2); short protein forms G999E.
Identifiers: ClinVar variation 4802761 (VCV004802761.2).
Genomic context (GRCh38, chr14:64,786,969, plus strand): 5'-TGGGACTCACGCTCCAGGGCATCCACACGGGCCTGGATGGCGGCCACGTCACGCTCCAGC[C>T]CTGACAACTTCCTCTGGATGGCGATGATACCTGCCAGGTCCCGCCCCAGGTCTTTTGTGG-3'
Protein context (NP_001342365.1, residues 989-1009): GIIAIQRKLS[Gly999Glu]LERDVAAIQA

ClinVar aggregate classification (germline): Uncertain significance. Review status: criteria provided, multiple submitters, no conflicts (2 of 4 stars). 2 submissions from 2 submitters: Uncertain significance (2). Last evaluated 2025-10-23.

gnomAD v4.1: 96 of 1,613,984 alleles (0.0059%); highest among the groups gnomAD compares: South Asian, 0.075%; no homozygotes.

Submissions (2):

Labcorp Genetics (formerly Invitae), Labcorp
Classification: Uncertain significance. Last evaluated: 2025-10-23. Review status: criteria provided, single submitter. Criteria: Invitae Variant Classification Sherloc (09022015). Collection method: clinical testing. Allele origin: germline.
Comment: This sequence change replaces glycine, which is neutral and non-polar, with glutamic acid, which is acidic and polar, at codon 999 of the SPTB protein (p.Gly999Glu). This variant is present in population databases (rs776134235, gnomAD 0.06%). This variant has not been reported in the literature in individuals affected with SPTB-related conditions. An algorithm developed to predict the effect of missense changes on protein structure and function (PolyPhen-2) suggests that this variant is likely to be disruptive. In summary, the available evidence is currently insufficient to determine the role of this variant in disease. Therefore, it has been classified as a Variant of Uncertain Significance.

Blueprint Genetics
Classification: Uncertain significance. Last evaluated: 2024-09-25. Review status: criteria provided, single submitter. Criteria: ACMG Guidelines, 2015. Collection method: clinical testing. Allele origin: germline.